The following is an entry in ClinVar:

NM_014503.3(UTP20):c.8131T>C (p.Leu2711=)

Gene: UTP20 (UTP20 small subunit processome component; plus strand). Cytogenetic location: 12q23.2.
Variant type: single nucleotide variant.
Coding change: c.8131T>C on transcript NM_014503.3 (MANE Select); coding-DNA position 8131, T replaced by C.
Protein change: p.Leu2711=; no amino-acid change (leucine 2711 retained).
Molecular consequence: synonymous variant.
Genome position (GRCh38, 1-based): chr12:101,385,657, T>C. VCF-style: chr12-101385657-T-C. GRCh37 (hg19) VCF-style: chr12-101779435-T-C.
Identifiers: ClinVar variation 2643236 (VCV002643236.24), dbSNP rs149160478, ClinGen allele CA6743878.

ClinVar aggregate classification (germline): Likely benign (1 of 4 stars; one submission).

Allele frequency attached by ClinVar (database versions not stated): ExAC 0.00014; gnomAD exomes 0.00014; gnomAD 0.00022; ESP Exome Variant Server 0.00023; TOPMed 0.00030.
gnomAD v4.1: 261 of 1,614,006 alleles (0.016%); highest among the groups gnomAD compares: Middle Eastern, 0.46%; 1 homozygote.

Submission:

CeGaT Center for Human Genetics Tuebingen
Classification: Likely benign. Last evaluated: 2024-02-01. Review status: criteria provided, single submitter. Criteria: CeGaT Center For Human Genetics Tuebingen Variant Classification Criteria Version 2. Collection method: clinical testing. Allele origin: germline. Affected: yes. Observed: 1 variant allele.
Comment: UTP20: BP4, BP7